The following is an entry in ClinVar:

NM_016038.4(SBDS):c.664G>T (p.Glu222Ter)

Gene: SBDS (SBDS ribosome maturation factor; minus strand). Cytogenetic location: 7q11.21.
Variant type: single nucleotide variant.
Coding change: c.664G>T on transcript NM_016038.4 (MANE Select); coding-DNA position 664, G replaced by T.
Protein change: p.Glu222Ter; replaces glutamic acid 222 with a stop codon.
Molecular consequence: nonsense.
Genome position (GRCh38, 1-based): chr7:66,988,460, C>A on the plus strand (G>T on the coding strand, the complement: SBDS is on the minus strand). VCF-style: chr7-66988460-C-A. GRCh37 (hg19) VCF-style: chr7-66453447-C-A.
Other names: short protein forms E222*.
Identifiers: ClinVar variation 3254853 (VCV003254853.1), dbSNP rs371133001.

ClinVar aggregate classification (germline): Likely pathogenic (1 of 4 stars; one submission).

Conditions:
Shwachman-Diamond syndrome 1 (SDS1). Also called: LIPOMATOSIS OF PANCREAS, CONGENITAL. Identifiers: MedGen C4692625, MONDO:0044204, OMIM 260400.

Submission:

Victorian Clinical Genetics Services, Murdoch Childrens Research Institute
Classification: Likely pathogenic for Shwachman-Diamond syndrome 1. Last evaluated: 2023-12-20. Review status: criteria provided, single submitter. Criteria: ACMG Guidelines, 2015. Collection method: clinical testing. Allele origin: germline. Inheritance: Autosomal recessive inheritance. Affected: yes.
Comment: Based on the classification scheme VCGS_Germline_v1.3.4, this variant is classified as Likely pathogenic. Following criteria are met: 0102 - Loss of function is a known mechanism of disease in this gene and is associated with Shwachman-Diamond syndrome (MIM#260400). (I) 0106 - This gene is associated with autosomal recessive disease. (I) 0205 - Variant is predicted to result in a truncated protein (premature termination codon is NOT located at least 54 nucleotides upstream of the final exon-exon junction) with less than 1/3 of the protein sequence affected. (SP) 0251 - This variant is heterozygous. (I) 0301 - Variant is absent from gnomAD (both v2 and v3). (SP) 0704 - Another variant comparable to the one identified in this case has limited previous evidence for pathogenicity. p.(Glu244_Gly245del) has been reported in a compound heterozygous individual with developmental delay, epilepsy and hypocellular marrow with mild dysplasia. In addition, p.(Glu244del) was identified in a compound heterozygous individual in whom SBDS gene sequencing was requested for, with no clinical information provided (GeneDx, personal communication). (SP) 0807 - This variant has no previous evidence of pathogenicity. (I) 0905 - No published segregation evidence has been identified for this variant. (I) 1007 - No published functional evidence has been identified for this variant. (I) 1102 - Strong phenotype match for this individual. (SP) 1201 - Heterozygous variant detected in trans with a pathogenic heterozygous variant (NM_016038.2(SBDS):c.258+2T>C; p.(Cys84Tyrfs*4)) in a recessive disease. (I) Legend: (SP) - Supporting pathogenic, (I) - Information, (SB) - Supporting benign

Literature cited by the submitters: PubMed 28102861.